The following is an entry in ClinVar:

NM_015046.7(SETX):c.668T>A (p.Leu223His)

Gene: SETX (senataxin; minus strand). Cytogenetic location: 9q34.13.
Variant type: single nucleotide variant.
Coding change: c.668T>A on transcript NM_015046.7 (MANE Select); coding-DNA position 668, T replaced by A.
Protein change: p.Leu223His; replaces leucine 223 with histidine.
Molecular consequence: missense variant.
Genome position (GRCh38, 1-based): chr9:132,336,346, A>T on the plus strand (T>A on the coding strand, the complement: SETX is on the minus strand). VCF-style: chr9-132336346-A-T. GRCh37 (hg19) VCF-style: chr9-135211733-A-T.
Other names: c.668T>A, p.Leu223His (NM_001351527.2, NM_001351528.2); short protein forms L223H.
Identifiers: ClinVar variation 805429 (VCV000805429.8), dbSNP rs1211053963, ClinGen allele CA375349424.

ClinVar aggregate classification (germline): Uncertain significance. Review status: criteria provided, multiple submitters, no conflicts (2 of 4 stars). 6 submissions from 5 submitters: Uncertain significance (6). Last evaluated 2023-05-25.

Conditions:
SETX-related disorder. Also called: SETX-related condition; SETX-related disorders. Identifiers: MedGen CN239403.
Amyotrophic lateral sclerosis type 4 (ALS4). Also called: NEURONOPATHY, DISTAL HEREDITARY MOTOR, WITH PYRAMIDAL FEATURES; AMYOTROPHIC LATERAL SCLEROSIS 4, JUVENILE. Identifiers: Orphanet 357043, MedGen C1865409, MONDO:0011223, OMIM 602433.
Spinocerebellar ataxia, autosomal recessive, with axonal neuropathy 2 (SCAN2). Also called: ATAXIA-OCULOMOTOR APRAXIA 2; Ataxia-ocular apraxia-2; Ataxia with Oculomotor Apraxia; Ataxia with Oculomotor Apraxia Type 2. Identifiers: Orphanet 64753, MedGen C1853761, MONDO:0018996, OMIM 606002.

Submissions (6):

PreventionGenetics, part of Exact Sciences
Classification: Uncertain significance for SETX-related condition. Last evaluated: 2023-05-25. Review status: criteria provided, single submitter. Criteria: ACMG Guidelines, 2015. Collection method: clinical testing. Allele origin: germline.
Comment: The SETX c.668T>A variant is predicted to result in the amino acid substitution p.Leu223His. To our knowledge, this variant has not been reported in the literature or in a large population database, indicating this variant is rare. At this time, the clinical significance of this variant is uncertain due to the absence of conclusive functional and genetic evidence.

Labcorp Genetics (formerly Invitae), Labcorp
Classification: Uncertain significance for Amyotrophic lateral sclerosis type 4; Spinocerebellar ataxia, autosomal recessive, with axonal neuropathy 2. Last evaluated: 2023-03-16. Review status: criteria provided, single submitter. Criteria: Invitae Variant Classification Sherloc (09022015). Collection method: clinical testing. Allele origin: germline.
Comment: In summary, the available evidence is currently insufficient to determine the role of this variant in disease. Therefore, it has been classified as a Variant of Uncertain Significance. Advanced modeling of protein sequence and biophysical properties (such as structural, functional, and spatial information, amino acid conservation, physicochemical variation, residue mobility, and thermodynamic stability) performed at Invitae indicates that this missense variant is not expected to disrupt SETX protein function. ClinVar contains an entry for this variant (Variation ID: 805429). This variant has not been reported in the literature in individuals affected with SETX-related conditions. This variant is not present in population databases (gnomAD no frequency). This sequence change replaces leucine, which is neutral and non-polar, with histidine, which is basic and polar, at codon 223 of the SETX protein (p.Leu223His).

Genome-Nilou Lab
Classification: Uncertain significance for Spinocerebellar ataxia, autosomal recessive, with axonal neuropathy 2. Last evaluated: 2023-02-08. Review status: criteria provided, single submitter. Criteria: ACMG Guidelines, 2015. Collection method: clinical testing. Allele origin: germline.

Genome-Nilou Lab
Classification: Uncertain significance for Amyotrophic lateral sclerosis type 4. Last evaluated: 2023-02-08. Review status: criteria provided, single submitter. Criteria: ACMG Guidelines, 2015. Collection method: clinical testing. Allele origin: germline.

GeneDx
Classification: Uncertain significance. Last evaluated: 2019-10-03. Review status: criteria provided, single submitter. Criteria: GeneDx Variant Classification Process June 2021. Collection method: clinical testing. Allele origin: germline. Affected: yes.
Comment: Not observed in large population cohorts (Lek et al., 2016); In silico analysis, which includes protein predictors and evolutionary conservation, supports a deleterious effect; Has not been previously published as pathogenic or benign to our knowledge

Athena Diagnostics
Classification: Uncertain significance. Last evaluated: 2019-01-16. Review status: criteria provided, single submitter. Criteria: Athena Diagnostics Criteria. Collection method: clinical testing. Allele origin: germline.